The following is an entry in ClinVar:

NM_000292.3(PHKA2):c.3284G>A (p.Cys1095Tyr)

Gene: PHKA2 (phosphorylase kinase regulatory subunit alpha 2; minus strand). Cytogenetic location: Xp22.13.
Variant type: single nucleotide variant.
Coding change: c.3284G>A on transcript NM_000292.3 (MANE Select); coding-DNA position 3284, G replaced by A.
Protein change: p.Cys1095Tyr; replaces cysteine 1095 with tyrosine.
Molecular consequence: missense variant.
Genome position (GRCh38, 1-based): chrX:18,895,190, C>T on the plus strand (G>A on the coding strand, the complement: PHKA2 is on the minus strand). VCF-style: chrX-18895190-C-T. GRCh37 (hg19) VCF-style: chrX-18913308-C-T.
Other names: short protein forms C1095Y.
Identifiers: ClinVar variation 1722261 (VCV001722261.6), dbSNP rs2518526497, ClinGen allele CA412377019.

ClinVar aggregate classification (germline): Uncertain significance (1 of 4 stars; one submission).

Conditions:
Glycogen storage disease IXa1. Also called: LIVER GLYCOGENOSIS, X-LINKED, TYPE I; Glycogen storage disease 8; GLYCOGEN STORAGE DISEASE VIII; GSD VIII. Identifiers: Orphanet 264580, MedGen C3694531, MONDO:0010598, OMIM 306000.

Allele frequency attached by ClinVar (database versions not stated): gnomAD exomes below 0.00001.
gnomAD v4.1: 1 of 1,209,636 alleles (0.000083%); highest among the groups gnomAD compares: East Asian, 0.003%; no homozygotes.

Submission:

Labcorp Genetics (formerly Invitae), Labcorp
Classification: Uncertain significance for Glycogen storage disease IXa1. Last evaluated: 2024-10-29. Review status: criteria provided, single submitter. Criteria: Invitae Variant Classification Sherloc (09022015). Collection method: clinical testing. Allele origin: germline.
Comment: This sequence change replaces cysteine, which is neutral and slightly polar, with tyrosine, which is neutral and polar, at codon 1095 of the PHKA2 protein (p.Cys1095Tyr). This variant is not present in population databases (gnomAD no frequency). This variant has not been reported in the literature in individuals affected with PHKA2-related conditions. ClinVar contains an entry for this variant (Variation ID: 1722261). An algorithm developed to predict the effect of missense changes on protein structure and function (PolyPhen-2) suggests that this variant is likely to be disruptive. In summary, the available evidence is currently insufficient to determine the role of this variant in disease. Therefore, it has been classified as a Variant of Uncertain Significance.